The following is an entry in ClinVar:

ClinVar aggregate classification (germline): Uncertain significance (1 of 4 stars; one submission).

Submission:

Labcorp Genetics (formerly Invitae), Labcorp
Classification: Uncertain significance. Last evaluated: 2025-11-29. Review status: criteria provided, single submitter. Criteria: Invitae Variant Classification Sherloc (09022015). Collection method: clinical testing. Allele origin: germline.
Comment: This sequence change replaces isoleucine, which is neutral and non-polar, with threonine, which is neutral and polar, at codon 3017 of the VPS13D protein (p.Ile3017Thr). This variant is not present in population databases (gnomAD no frequency). This variant has not been reported in the literature in individuals affected with VPS13D-related conditions. Invitae Evidence Modeling of protein sequence and biophysical properties (such as structural, functional, and spatial information, amino acid conservation, physicochemical variation, residue mobility, and thermodynamic stability) indicates that this missense variant is expected to disrupt VPS13D protein function with a positive predictive value of 80%. In summary, the available evidence is currently insufficient to determine the role of this variant in disease. Therefore, it has been classified as a Variant of Uncertain Significance.

NM_015378.4(VPS13D):c.9050T>C (p.Ile3017Thr)

Gene: VPS13D (vacuolar protein sorting 13 homolog D; plus strand). Cytogenetic location: 1p36.22.
Variant type: single nucleotide variant.
Coding change: c.9050T>C on transcript NM_015378.4 (MANE Select); coding-DNA position 9050, T replaced by C.
Protein change: p.Ile3017Thr; replaces isoleucine 3017 with threonine.
Molecular consequence: missense variant.
Genome position (GRCh38, 1-based): chr1:12,346,633, T>C. VCF-style: chr1-12346633-T-C. GRCh37 (hg19) VCF-style: chr1-12406690-T-C.
Other names: c.8975T>C, p.Ile2992Thr (NM_018156.4); short protein forms I2992T, I3017T.
Identifiers: ClinVar variation 4693860 (VCV004693860.1).